The following is an entry in ClinVar:

ClinVar aggregate classification (germline): Benign/Likely benign. Review status: criteria provided, multiple submitters, no conflicts (2 of 4 stars). 5 submissions from 5 submitters: Benign (3); Likely benign (2). Last evaluated 2026-01-26.

Conditions:
DNM2-related disorder. Also called: DNM2-related condition.
Inborn genetic diseases. Identifiers: MedGen C0950123, MeSH D030342.
Charcot-Marie-Tooth disease dominant intermediate B (CMTDIB). Also called: CHARCOT-MARIE-TOOTH NEUROPATHY, DOMINANT INTERMEDIATE B; Charcot-Marie-Tooth disease dominant intermediate 1; CMT DI1; Charcot-Marie-Tooth disease dominant intermediate I. Identifiers: Orphanet 100044, Orphanet 228179, MedGen C1847902, MONDO:0011674, OMIM 606482.

Allele frequency attached by ClinVar (database versions not stated): gnomAD 0.00118; ESP Exome Variant Server 0.00123; TOPMed 0.00125; 1000 Genomes Project 30x 0.00156; 1000 Genomes Project 0.00180.
gnomAD v4.1: 343 of 1,614,076 alleles (0.021%); highest among the groups gnomAD compares: African/African-American, 0.41%; 2 homozygotes.

Submissions (6):

Labcorp Genetics (formerly Invitae), Labcorp
Classification: Benign for Charcot-Marie-Tooth disease dominant intermediate B. Last evaluated: 2026-01-26. Review status: criteria provided, single submitter. Criteria: Invitae Variant Classification Sherloc (09022015). Collection method: clinical testing. Allele origin: germline.

PreventionGenetics, part of Exact Sciences
Classification: Likely benign for DNM2-related condition. Last evaluated: 2025-04-03. Review status: criteria provided, single submitter. Criteria: ACMG Guidelines, 2015. Collection method: clinical testing. Allele origin: germline.
Comment: This variant is classified as likely benign based on ACMG/AMP sequence variant interpretation guidelines (Richards et al. 2015 PMID: 25741868, with internal and published modifications).

Ambry Genetics
Classification: Likely benign for Inborn genetic diseases. Last evaluated: 2020-12-01. Review status: criteria provided, single submitter. Criteria: Ambry Variant Classification Scheme 2023. Collection method: clinical testing. Allele origin: germline.

GeneDx
Classification: Benign. Last evaluated: 2019-05-07. Review status: criteria provided, single submitter. Criteria: GeneDx Variant Classification Process June 2021. Collection method: clinical testing. Allele origin: germline. Affected: yes.

Athena Diagnostics
Classification: Benign. Last evaluated: 2018-03-19. Review status: criteria provided, single submitter. Criteria: Athena Diagnostics Criteria. Collection method: clinical testing. Allele origin: germline.

Dr. Peter K. Rogan Lab, Western University
No classification provided (evidence only). Condition: Acute myeloid leukemia. Review status: no classification provided. Collection method: in vitro. Allele origin: not applicable. Functional consequence: retained intron. Not counted in ClinVar's aggregate classification.

NM_001005361.3(DNM2):c.386-6T>A

Gene: DNM2 (dynamin 2; plus strand). Cytogenetic location: 19p13.2.
Variant type: single nucleotide variant.
Coding change: c.386-6T>A on transcript NM_001005361.3 (MANE Select); 6 bases into the intron before coding-DNA position 386, T replaced by A.
Molecular consequence: intron variant.
Genome position (GRCh38, 1-based): chr19:10,775,697, T>A. VCF-style: chr19-10775697-T-A. GRCh37 (hg19) VCF-style: chr19-10886373-T-A.
Other names: c.386-6T>A (NM_001005360.3, NM_001190716.2, NM_004945.4 and 1 more transcripts).
Identifiers: ClinVar variation 387548 (VCV000387548.20), dbSNP rs114623441, ClinGen allele CA9200793.